The following is an entry in ClinVar:

ClinVar aggregate classification (germline): Uncertain significance. Review status: criteria provided, multiple submitters, no conflicts (2 of 4 stars). 2 submissions from 2 submitters: Uncertain significance (2). Last evaluated 2025-11-24.

Conditions:
Microcephaly 3, primary, autosomal recessive. Identifiers: Orphanet 2512, MedGen C1858108, MONDO:0011488, OMIM 604804.

Allele frequency attached by ClinVar (database versions not stated): gnomAD 0.00001; gnomAD exomes below 0.00001; TOPMed 0.00001.
gnomAD v4.1: 5 of 1,614,052 alleles (0.00031%); highest among the groups gnomAD compares: African/African-American, 0.004%; no homozygotes.

Submissions (2):

Dasa
Classification: Uncertain significance for Microcephaly 3, primary, autosomal recessive. Last evaluated: 2025-11-24. Review status: criteria provided, single submitter. Criteria: DASA Assertion Criteria. Collection method: clinical testing. Allele origin: germline.
Comment: NM_018249.6(CDK5RAP2):c.2149G>A (p.Glu717Lys) is a missense variant that results in the substitution of glutamic acid with lysine. This variant is rare in population databases. Computational prediction algorithms are consistent with a benign effect. The currently available literature and clinical evidence are not sufficient to establish a definitive association between this variant and the reported condition. Therefore, this variant is classified as a variant of uncertain significance.

Illumina Laboratory Services, Illumina
Classification: Uncertain significance for Microcephaly 3, primary, autosomal recessive. Last evaluated: 2018-01-13. Review status: criteria provided, single submitter. Criteria: ICSL Variant Classification Criteria 13 December 2019. Collection method: clinical testing. Allele origin: germline.

NM_018249.6(CDK5RAP2):c.2149G>A (p.Glu717Lys)

Gene: CDK5RAP2 (CDK5 regulatory subunit associated protein 2; minus strand). Cytogenetic location: 9q33.2.
Variant type: single nucleotide variant.
Coding change: c.2149G>A on transcript NM_018249.6 (MANE Select); coding-DNA position 2149, G replaced by A.
Protein change: p.Glu717Lys; replaces glutamic acid 717 with lysine.
Molecular consequence: missense variant. On other transcripts: non-coding transcript variant (5), intron variant (1).
Genome position (GRCh38, 1-based): chr9:120,460,625, C>T on the plus strand (G>A on the coding strand, the complement: CDK5RAP2 is on the minus strand). VCF-style: chr9-120460625-C-T. GRCh37 (hg19) VCF-style: chr9-123222903-C-T.
Other names: c.2149G>A, p.Glu717Lys (NM_001011649.3); c.2103+7235G>A (NM_001272039.2); short protein forms E717K.
Identifiers: ClinVar variation 364767 (VCV000364767.7), dbSNP rs886063396, ClinGen allele CA10628882.